The following is an entry in ClinVar:

ClinVar aggregate classification (germline): Uncertain significance (1 of 4 stars; one submission).

Submission:

Ambry Genetics
Classification: Uncertain significance. Last evaluated: 2026-03-14. Review status: criteria provided, single submitter. Criteria: Ambry Variant Classification Scheme 2023. Collection method: clinical testing. Allele origin: germline.
Comment: The p.K446N variant (also known as c.1338G>C), located in coding exon 2 of the CDK12 gene, results from a G to C substitution at nucleotide position 1338. The lysine at codon 446 is replaced by asparagine, an amino acid with similar properties. This amino acid position is conserved. In addition, this alteration is predicted to be tolerated by in silico analysis. Based on the available evidence, the clinical significance of this variant remains unclear.

NM_016507.4(CDK12):c.1338G>C (p.Lys446Asn)

Gene: CDK12 (cyclin dependent kinase 12; plus strand). Cytogenetic location: 17q12.
Variant type: single nucleotide variant.
Coding change: c.1338G>C on transcript NM_016507.4 (MANE Select); coding-DNA position 1338, G replaced by C.
Protein change: p.Lys446Asn; replaces lysine 446 with asparagine.
Molecular consequence: missense variant.
Genome position (GRCh38, 1-based): chr17:39,471,170, G>C. VCF-style: chr17-39471170-G-C. GRCh37 (hg19) VCF-style: chr17-37627423-G-C.
Other names: c.1338G>C, p.Lys446Asn (NM_015083.4); short protein forms K446N.
Identifiers: ClinVar variation 4825970 (VCV004825970.1).